The following is an entry in ClinVar:

ClinVar aggregate classification (germline): Uncertain significance (1 of 4 stars; one submission).

gnomAD v4.1: 1 of 1,613,480 alleles (0.000062%); highest among the groups gnomAD compares: Non-Finnish European, 0.000085%; no homozygotes.

Submission:

Labcorp Genetics (formerly Invitae), Labcorp
Classification: Uncertain significance. Last evaluated: 2025-11-11. Review status: criteria provided, single submitter. Criteria: Invitae Variant Classification Sherloc (09022015). Collection method: clinical testing. Allele origin: germline.
Comment: This sequence change replaces cysteine, which is neutral and slightly polar, with arginine, which is basic and polar, at codon 319 of the CLPX protein (p.Cys319Arg). This variant is present in population databases (rs376469682, gnomAD 0.0009%). This variant has not been reported in the literature in individuals affected with CLPX-related conditions. Invitae Evidence Modeling of protein sequence and biophysical properties (such as structural, functional, and spatial information, amino acid conservation, physicochemical variation, residue mobility, and thermodynamic stability) indicates that this missense variant is expected to disrupt CLPX protein function with a positive predictive value of 80%. In summary, the available evidence is currently insufficient to determine the role of this variant in disease. Therefore, it has been classified as a Variant of Uncertain Significance.

NM_006660.5(CLPX):c.955T>C (p.Cys319Arg)

Gene: CLPX (caseinolytic mitochondrial matrix peptidase chaperone subunit X; minus strand). Cytogenetic location: 15q22.31.
Variant type: single nucleotide variant.
Coding change: c.955T>C on transcript NM_006660.5 (MANE Select); coding-DNA position 955, T replaced by C.
Protein change: p.Cys319Arg; replaces cysteine 319 with arginine.
Molecular consequence: missense variant. On other transcripts: non-coding transcript variant (1).
Genome position (GRCh38, 1-based): chr15:65,157,848, A>G on the plus strand (T>C on the coding strand, the complement: CLPX is on the minus strand). VCF-style: chr15-65157848-A-G. GRCh37 (hg19) VCF-style: chr15-65450186-A-G.
Other names: short protein forms C319R.
Identifiers: ClinVar variation 4743764 (VCV004743764.1).